The following is an entry in ClinVar:

ClinVar aggregate classification (germline): Likely benign. Review status: criteria provided, single submitter (1 of 4 stars). 2 submissions from 2 submitters: Likely benign (1). 1 of the submissions does not count toward it. Last evaluated 2024-09-01.

Conditions:
Spastic paraplegia. Identifiers: MedGen C0037772, HP:0001258.
GJC2-related disorder. Also called: GJC2-related disorders; GJC2-related condition. Identifiers: MedGen CN230087.

Allele frequency attached by ClinVar (database versions not stated): ExAC 0.00002; gnomAD 0.00002; TOPMed 0.00004; ESP Exome Variant Server 0.00015.

Submissions (2):

Labcorp Genetics (formerly Invitae), Labcorp
Classification: Likely benign for Spastic paraplegia. Last evaluated: 2024-09-01. Review status: criteria provided, single submitter. Criteria: Invitae Variant Classification Sherloc (09022015). Collection method: clinical testing. Allele origin: germline.

PreventionGenetics, part of Exact Sciences
Classification: Likely benign for GJC2-related condition. Last evaluated: 2024-04-17. Review status: no assertion criteria provided. Collection method: clinical testing. Allele origin: germline. Not counted in ClinVar's aggregate classification.
Comment: This variant is classified as likely benign based on ACMG/AMP sequence variant interpretation guidelines (Richards et al. 2015 PMID: 25741868, with internal and published modifications).

NM_020435.4(GJC2):c.175C>A (p.Arg59=)

Gene: GJC2 (gap junction protein gamma 2; plus strand). Cytogenetic location: 1q42.13.
Variant type: single nucleotide variant.
Coding change: c.175C>A on transcript NM_020435.4 (MANE Select); coding-DNA position 175, C replaced by A.
Protein change: p.Arg59=; no amino-acid change (arginine 59 retained).
Molecular consequence: synonymous variant.
Genome position (GRCh38, 1-based): chr1:228,157,933, C>A. VCF-style: chr1-228157933-C-A. GRCh37 (hg19) VCF-style: chr1-228345634-C-A.
Other names: c.175C>A (NM_020435.3).
Identifiers: ClinVar variation 2739345 (VCV002739345.4), dbSNP rs146183345, ClinGen allele CA1430815.